The following continues an entry in ClinVar:

NM_145207.3(AFG2A):c.983CAA[2] (p.Thr330del)

Gene: AFG2A. ClinVar aggregate classification (germline): Pathogenic/Likely pathogenic. Pathogenic (9); Likely pathogenic (9).

Submissions 12 to 23 of 23:

Institute of Medical Genetics and Applied Genomics, University Hospital Tübingen
Classification: Likely pathogenic. Last evaluated: 2020-10-23. Review status: criteria provided, single submitter. Criteria: ACMG Guidelines, 2015. Collection method: clinical testing. Allele origin: germline. Inheritance: Unknown mechanism. Affected: yes.

CeGaT Center for Human Genetics Tuebingen
Classification: Pathogenic. Last evaluated: 2019-06-01. Review status: criteria provided, single submitter. Criteria: CeGaT Center For Human Genetics Tuebingen Variant Classification Criteria Version 2. Collection method: clinical testing. Allele origin: germline. Affected: yes. Observed: 4 variant alleles.

Undiagnosed Diseases Network, NIH
Classification: Likely pathogenic for Microcephaly-intellectual disability-sensorineural hearing loss-epilepsy-abnormal muscle tone syndrome. Last evaluated: 2018-04-18. Review status: criteria provided, single submitter. Criteria: ACMG Guidelines, 2015. Collection method: clinical testing. Allele origin: maternal. Inheritance: Autosomal recessive inheritance. Affected: yes. Observed: 1 variant allele, 1 compound heterozygote. Study: Undiagnosed Diseases Network (NIH), UDN.

Institute of Human Genetics Munich, TUM University Hospital
Classification: Likely pathogenic for Microcephaly-intellectual disability-sensorineural hearing loss-epilepsy-abnormal muscle tone syndrome. Last evaluated: 2017-09-08. Review status: criteria provided, single submitter. Criteria: Classification criteria August 2017. Collection method: clinical testing. Allele origin: paternal. Inheritance: Autosomal recessive inheritance. Affected: yes. Observed: 1 compound heterozygote.

Genetic Services Laboratory, University of Chicago
Classification: Likely pathogenic. Last evaluated: 2017-06-26. Review status: criteria provided, single submitter. Criteria: ACMG Guidelines, 2015. Collection method: clinical testing. Allele origin: germline. Affected: yes.

Center for Pediatric Genomic Medicine, Children's Mercy Hospital and Clinics
Classification: Likely pathogenic. Last evaluated: 2017-05-01. Review status: criteria provided, single submitter. Criteria: ACMG Guidelines, 2015. Collection method: clinical testing. Allele origin: germline.

Centre de Biologie Pathologie Génétique, Centre Hospitalier Universitaire de Lille
Classification: Pathogenic for Microcephaly-intellectual disability-sensorineural hearing loss-epilepsy-abnormal muscle tone syndrome. Review status: criteria provided, single submitter. Criteria: ACMG Guidelines, 2015. Collection method: clinical testing. Allele origin: inherited. Affected: yes.

OMIM
Classification: Pathogenic for NEURODEVELOPMENTAL DISORDER WITH HEARING LOSS, SEIZURES, AND BRAIN ABNORMALITIES. Last evaluated: 2023-04-19. Review status: no assertion criteria provided. Collection method: literature only. Allele origin: germline. Not counted in ClinVar's aggregate classification.

Genome Diagnostics Laboratory, University Medical Center Utrecht
Classification: Likely pathogenic. Last evaluated: 2015-08-03. Review status: no assertion criteria provided. Collection method: clinical testing. Allele origin: germline. Affected: yes. Not counted in ClinVar's aggregate classification.
Comment: The p.T330del variant in the SPATA5 gene was found in the homozygous state and has not been reported previously as a disease-causing mutation nor as a benign polymorphism, to our knowledge. The p.T330del variant results in the deletion of a single Threonine residue, denoted p.Thr330del, at a position that is conserved across species. The p.T330del variant was observed at an allele frequency of 0.0002 in approximately 33.000 individuals of European ancestry (ExAC database), indicating it is not a common benign variant in this population. However, in this database the variant is also present once in the homozygous state. Based on these data and because of highly similar clinical features between this patient and others with SPATA5 mutations we interpret the p.T330del variant as likely pathogenic.

Clinical Genetics DNA and cytogenetics Diagnostics Lab, Erasmus MC, Erasmus Medical Center
Classification: Pathogenic. Review status: no assertion criteria provided. Collection method: clinical testing. Allele origin: germline. Affected: yes. Study: VKGL Data-share Consensus. Not counted in ClinVar's aggregate classification.

Genome Diagnostics Laboratory, Amsterdam University Medical Center
Classification: Pathogenic. Review status: no assertion criteria provided. Collection method: clinical testing. Allele origin: germline. Affected: yes. Study: VKGL Data-share Consensus. Not counted in ClinVar's aggregate classification.

Genome Diagnostics Laboratory, University Medical Center Utrecht
Classification: Pathogenic. Review status: no assertion criteria provided. Collection method: clinical testing. Allele origin: germline. Affected: yes. Study: VKGL Data-share Consensus. Not counted in ClinVar's aggregate classification.

Literature cited by the submitters: PubMed 26299366 (cited by Labcorp Genetics (formerly Invitae), Labcorp and Clinical Genomics Laboratory, Stanford Medicine); PubMed 27246907 (cited by 3 submitters); PubMed 27683084 (cited by Labcorp Genetics (formerly Invitae), Labcorp and Clinical Genomics Laboratory, Stanford Medicine); PubMed 28293831 (cited by Labcorp Genetics (formerly Invitae), Labcorp and Clinical Genomics Laboratory, Stanford Medicine); PubMed 30552426 (cited by Women's Health and Genetics/Laboratory Corporation of America, LabCorp and Clinical Genomics Laboratory, Stanford Medicine); PubMed 34360601 (cited by Women's Health and Genetics/Laboratory Corporation of America, LabCorp and Victorian Clinical Genetics Services, Murdoch Childrens Research Institute); PubMed 29343804 (cited by 3 submitters); PubMed 21822266 (cited by Clinical Genomics Laboratory, Stanford Medicine); PubMed 33177673 (cited by Clinical Genomics Laboratory, Stanford Medicine); PubMed 35354024 (cited by Clinical Genomics Laboratory, Stanford Medicine).